The following is an entry in ClinVar:

ClinVar aggregate classification (germline): Uncertain significance (1 of 4 stars; one submission).

Conditions:
Hereditary nonpolyposis colorectal neoplasms. Identifiers: MedGen C0009405, MeSH D003123.

Submission:

Labcorp Genetics (formerly Invitae), Labcorp
Classification: Uncertain significance for Hereditary nonpolyposis colorectal neoplasms. Last evaluated: 2022-11-23. Review status: criteria provided, single submitter. Criteria: Invitae Variant Classification Sherloc (09022015). Collection method: clinical testing. Allele origin: unknown.
Comment: In summary, the available evidence is currently insufficient to determine the role of this variant in disease. Therefore, it has been classified as a Variant of Uncertain Significance. Experimental studies and prediction algorithms are not available or were not evaluated, and the functional significance of this variant is currently unknown. This variant has not been reported in the literature in individuals affected with MSH6-related conditions. This variant results in a copy number gain of the genomic region encompassing exon(s) 5-6 of the MSH6 gene. While the exact position of this variant cannot be determined from the data, sub-genic copy number gains are generally in tandem (PMID: 25640679). This variant is predicted to be in-frame, and likely preserves the integrity of the reading frame.

Literature cited by the submitters: PubMed 25640679.

NC_000002.11:g.(?_48030537)_(48032176_?)dup

Gene: MSH6 (mutS homolog 6; plus strand). Cytogenetic location: 2p16.3.
Variant type: Duplication.
Identifiers: ClinVar variation 3247080 (VCV003247080.1).